The following is an entry in ClinVar:

NM_170682.4(P2RX2):c.847T>G (p.Tyr283Asp)

Gene: P2RX2 (purinergic receptor P2X 2; plus strand). Cytogenetic location: 12q24.33.
Variant type: single nucleotide variant.
Coding change: c.847T>G on transcript NM_170682.4 (MANE Select); coding-DNA position 847, T replaced by G.
Protein change: p.Tyr283Asp; replaces tyrosine 283 with aspartic acid.
Molecular consequence: missense variant.
Genome position (GRCh38, 1-based): chr12:132,621,073, T>G. VCF-style: chr12-132621073-T-G. GRCh37 (hg19) VCF-style: chr12-133197659-T-G.
Other names: c.745T>G, p.Tyr249Asp (NM_001282164.2); c.847T>G, p.Tyr283Asp (NM_001282165.2, NM_170683.4, NM_174873.3); c.631T>G, p.Tyr211Asp (NM_012226.5); c.775T>G, p.Tyr259Asp (NM_016318.4); c.571T>G, p.Tyr191Asp (NM_174872.3); short protein forms Y211D, Y249D, Y259D, Y191D, Y283D.
Identifiers: ClinVar variation 2770743 (VCV002770743.3), dbSNP rs2541801723, ClinGen allele CA387361112.

ClinVar aggregate classification (germline): Uncertain significance (1 of 4 stars; one submission).

Submission:

Labcorp Genetics (formerly Invitae), Labcorp
Classification: Uncertain significance. Last evaluated: 2023-10-22. Review status: criteria provided, single submitter. Criteria: Invitae Variant Classification Sherloc (09022015). Collection method: clinical testing. Allele origin: germline.
Comment: This sequence change replaces tyrosine, which is neutral and polar, with aspartic acid, which is acidic and polar, at codon 283 of the P2RX2 protein (p.Tyr283Asp). This variant is not present in population databases (gnomAD no frequency). This variant has not been reported in the literature in individuals affected with P2RX2-related conditions. Advanced modeling of protein sequence and biophysical properties (such as structural, functional, and spatial information, amino acid conservation, physicochemical variation, residue mobility, and thermodynamic stability) performed at Invitae indicates that this missense variant is expected to disrupt P2RX2 protein function. In summary, the available evidence is currently insufficient to determine the role of this variant in disease. Therefore, it has been classified as a Variant of Uncertain Significance.